The following is an entry in ClinVar:

ClinVar aggregate classification (germline): Uncertain significance. Review status: criteria provided, multiple submitters, no conflicts (2 of 4 stars). 2 submissions from 2 submitters: Uncertain significance (2). Last evaluated 2025-07-28.

Conditions:
Hereditary cancer-predisposing syndrome. Also called: Hereditary neoplastic syndrome; Tumor predisposition; Hereditary Cancer Syndrome; Neoplastic Syndromes, Hereditary. Identifiers: Orphanet 140162, MedGen C0027672, MeSH D009386, MONDO:0015356.
Cardiovascular phenotype. Identifiers: MedGen CN230736.

Submissions (2):

Ambry Genetics
Classification: Uncertain significance for Cardiovascular phenotype; Hereditary cancer-predisposing syndrome. Last evaluated: 2025-07-28. Review status: criteria provided, single submitter. Criteria: Ambry Variant Classification Scheme 2023. Collection method: clinical testing. Allele origin: germline.
Comment: The c.1567_1578dup12 variant (also known as p.V523_Q526dup), located in coding exon 14 of the LZTR1 gene, results from an in-frame duplication of 12 nucleotides at nucleotide positions 1567 to 1578. This results in the duplication of 4 extra residues (VLMQ) between codons 523 and 526. In addition, this variant is predicted to be deleterious by in silico analysis (Choi Y et al. PLoS ONE. 2012; 7(10):e46688). Based on the available evidence, the clinical significance of this variant remains unclear.

Labcorp Genetics (formerly Invitae), Labcorp
Classification: Uncertain significance. Last evaluated: 2024-03-02. Review status: criteria provided, single submitter. Criteria: Invitae Variant Classification Sherloc (09022015). Collection method: clinical testing. Allele origin: germline.
Comment: This variant, c.1567_1578dup, results in the insertion of 4 amino acid(s) of the LZTR1 protein (p.Val523_Gln526dup), but otherwise preserves the integrity of the reading frame. This variant is not present in population databases (gnomAD no frequency). This variant has not been reported in the literature in individuals affected with LZTR1-related conditions. In summary, the available evidence is currently insufficient to determine the role of this variant in disease. Therefore, it has been classified as a Variant of Uncertain Significance.

NM_006767.4(LZTR1):c.1567_1578dup (p.Gln526_Phe527insValLeuMetGln)

Gene: LZTR1 (leucine zipper like post translational regulator 1; plus strand). Cytogenetic location: 22q11.21.
Variant type: Duplication.
Coding change: c.1567_1578dup on transcript NM_006767.4 (MANE Select); coding-DNA positions 1567 to 1578, 12 bases duplicated (GTGCTCATGCAG).
Protein change: p.Gln526_Phe527insValLeuMetGln.
Genome position (GRCh38, 1-based): chr22:20,994,221-20,994,232, GTGCTCATGCAG duplicated; duplicating any 12 consecutive bases within chr22:20,994,219-20,994,232 gives the same sequence; the c. name uses the placement nearest the transcript's 3' end. VCF-style (leftmost placement, unchanged base first): chr22-20994218-G-GAGGTGCTCATGC. GRCh37 (hg19) VCF-style: chr22-21348507-G-GAGGTGCTCATGC.
Other names: c.1567_1578dupGTGCTCATGCAG (NM_006767.3).
Identifiers: ClinVar variation 3642998 (VCV003642998.3).